The following is an entry in ClinVar:

ClinVar aggregate classification (germline): Uncertain significance (1 of 4 stars; one submission).

Conditions:
Inborn genetic diseases. Identifiers: MedGen C0950123, MeSH D030342.

Submission:

Ambry Genetics
Classification: Uncertain significance for Inborn genetic diseases. Last evaluated: 2025-02-08. Review status: criteria provided, single submitter. Criteria: Ambry Variant Classification Scheme 2023. Collection method: clinical testing. Allele origin: germline.
Comment: The p.A497V variant (also known as c.1490C>T), located in coding exon 11 of the BMPR2 gene, results from a C to T substitution at nucleotide position 1490. The alanine at codon 497 is replaced by valine, an amino acid with similar properties. This amino acid position is conserved. In addition, this alteration is predicted to be deleterious by in silico analysis. Based on the available evidence, the clinical significance of this variant remains unclear.

NM_001204.7(BMPR2):c.1490C>T (p.Ala497Val)

Gene: BMPR2 (bone morphogenetic protein receptor type 2; plus strand). Cytogenetic location: 2q33.2.
Variant type: single nucleotide variant.
Coding change: c.1490C>T on transcript NM_001204.7 (MANE Select); coding-DNA position 1490, C replaced by T.
Protein change: p.Ala497Val; replaces alanine 497 with valine.
Molecular consequence: missense variant.
Genome position (GRCh38, 1-based): chr2:202,552,792, C>T. VCF-style: chr2-202552792-C-T. GRCh37 (hg19) VCF-style: chr2-203417515-C-T.
Other names: short protein forms A497V.
Identifiers: ClinVar variation 3824895 (VCV003824895.1).